The following is an entry in ClinVar:

NM_001161352.2(KCNMA1):c.362_363delinsTT (p.Cys121Phe)

Gene: KCNMA1 (potassium calcium-activated channel subfamily M alpha 1; minus strand). Cytogenetic location: 10q22.3.
Variant type: Indel.
Coding change: c.362_363delinsTT on transcript NM_001161352.2 (MANE Select); coding-DNA positions 362 to 363, GC replaced by TT.
Protein change: p.Cys121Phe; replaces cysteine 121 with phenylalanine.
Molecular consequence: missense variant.
Genome position (GRCh38, 1-based): chr10:77,637,280-77,637,281, GC replaced by AA on the plus strand (GC replaced by TT on the coding strand, the reverse complement: KCNMA1 is on the minus strand). VCF-style: chr10-77637280-GC-AA. GRCh37 (hg19) VCF-style: chr10-79397038-GC-AA.
Other names: c.362_363delinsTT, p.Cys121Phe (NM_001014797.3, NM_001161353.2, NM_001271518.2 and 12 more transcripts); short protein forms C121F.
Identifiers: ClinVar variation 1424175 (VCV001424175.8), dbSNP rs2154572100, ClinGen allele CA2573146002.

ClinVar aggregate classification (germline): Uncertain significance (1 of 4 stars; one submission).

Conditions:
Generalized epilepsy-paroxysmal dyskinesia syndrome (PNKD3). Also called: Paroxysmal nonkinesigenic dyskinesia, 3, with or without generalized epilepsy; Generalized epilepsy and paroxysmal dyskinesia. Identifiers: Orphanet 79137, MedGen C5574945, MONDO:0012276, OMIM 609446.

Submission:

Labcorp Genetics (formerly Invitae), Labcorp
Classification: Uncertain significance for Generalized epilepsy-paroxysmal dyskinesia syndrome. Last evaluated: 2021-09-21. Review status: criteria provided, single submitter. Criteria: Invitae Variant Classification Sherloc (09022015). Collection method: clinical testing. Allele origin: germline.
Comment: This variant has not been reported in the literature in individuals affected with KCNMA1-related conditions. In summary, the available evidence is currently insufficient to determine the role of this variant in disease. Therefore, it has been classified as a Variant of Uncertain Significance. Algorithms developed to predict the effect of missense changes on protein structure and function are either unavailable or do not agree on the potential impact of this missense change (SIFT: "Not Available"; PolyPhen-2: "Possibly Damaging"; Align-GVGD: "Not Available"). The frequency data for this variant in the population databases is not available, as this variant may be reported as separate entries in the ExAC database. This sequence change replaces cysteine with phenylalanine at codon 121 of the KCNMA1 protein (p.Cys121Phe). The cysteine residue is moderately conserved and there is a large physicochemical difference between cysteine and phenylalanine.